The following is an entry in ClinVar:

NM_001130144.3(LTBP3):c.3233C>T (p.Pro1078Leu)

Genes: LTBP3 (latent transforming growth factor beta binding protein 3; minus strand), LOC121832793 (Sharpr-MPRA regulatory region 4001; plus strand). Cytogenetic location: 11q13.1.
Variant type: single nucleotide variant.
Coding change: c.3233C>T on transcript NM_001130144.3 (MANE Select); coding-DNA position 3233, C replaced by T.
Protein change: p.Pro1078Leu; replaces proline 1078 with leucine.
Molecular consequence: missense variant.
Genome position (GRCh38, 1-based): chr11:65,540,256, G>A on the plus strand (C>T on the coding strand, the complement: LTBP3 is on the minus strand). VCF-style: chr11-65540256-G-A. GRCh37 (hg19) VCF-style: chr11-65307727-G-A.
Other names: c.2882C>T, p.Pro961Leu (NM_001164266.1); c.3233C>T, p.Pro1078Leu (NM_021070.4); short protein forms P1078L, P961L.
Identifiers: ClinVar variation 949308 (VCV000949308.11), dbSNP rs201735019, ClinGen allele CA6100310.
Genomic context (GRCh38, chr11:65,540,256, plus strand): 5'-CCCGGGCCCCGCCCCTCCCGCGTACCCCACTCCCCGGCCCGGGCCTCACCCATCTCTTCC[G>A]GGCTCAGGCACTGGCGCTGCGCGGGACTGTACTCGGCAGGGGGCGTGCAGGCACAGCGGT-3'
Protein context (NP_001123616.1, residues 1068-1088): YSPAQRQCLS[Pro1078Leu]EEMDVDECQD

ClinVar aggregate classification (germline): Uncertain significance. Review status: criteria provided, multiple submitters, no conflicts (2 of 4 stars). 2 submissions from 2 submitters: Uncertain significance (2). Last evaluated 2026-01-28.

Conditions:
Brachyolmia-amelogenesis imperfecta syndrome. Also called: PLATYSPONDYLY WITH AMELOGENESIS IMPERFECTA; Tooth agenesis, selective, 6; Dental anomalies and short stature. Identifiers: Orphanet 2899, MedGen C1832594, MONDO:0011018, OMIM 601216. Disease mechanism: loss of function.
Inborn genetic diseases. Identifiers: MedGen C0950123, MeSH D030342.

Allele frequency attached by ClinVar (database versions not stated): gnomAD exomes 0.00013; ExAC 0.00016; ESP Exome Variant Server 0.00033; 1000 Genomes Project 0.00040; gnomAD 0.00047 and 0.00048; 1000 Genomes Project 30x 0.00062; TOPMed 0.00063.
gnomAD v4.1: 258 of 1,550,826 alleles (0.017%); highest among the groups gnomAD compares: African/African-American, 0.15%; 1 homozygote.

Submissions (2):

Labcorp Genetics (formerly Invitae), Labcorp
Classification: Uncertain significance for Brachyolmia-amelogenesis imperfecta syndrome. Last evaluated: 2026-01-28. Review status: criteria provided, single submitter. Criteria: Invitae Variant Classification Sherloc (09022015). Collection method: clinical testing. Allele origin: germline.
Comment: This sequence change replaces proline, which is neutral and non-polar, with leucine, which is neutral and non-polar, at codon 1078 of the LTBP3 protein (p.Pro1078Leu). This variant is present in population databases (rs201735019, gnomAD 0.1%). This variant has not been reported in the literature in individuals affected with LTBP3-related conditions. ClinVar contains an entry for this variant (Variation ID: 949308). An algorithm developed to predict the effect of missense changes on protein structure and function (PolyPhen-2) suggests that this variant is likely to be disruptive. In summary, the available evidence is currently insufficient to determine the role of this variant in disease. Therefore, it has been classified as a Variant of Uncertain Significance.

Ambry Genetics
Classification: Uncertain significance for Inborn genetic diseases. Last evaluated: 2025-10-24. Review status: criteria provided, single submitter. Criteria: Ambry Variant Classification Scheme 2023. Collection method: clinical testing. Allele origin: germline.